The following is an entry in ClinVar:

NM_152393.4(KLHL40):c.125G>T (p.Arg42Leu)

Gene: KLHL40 (kelch like family member 40; plus strand). Cytogenetic location: 3p22.1.
Variant type: single nucleotide variant.
Coding change: c.125G>T on transcript NM_152393.4 (MANE Select); coding-DNA position 125, G replaced by T.
Protein change: p.Arg42Leu; replaces arginine 42 with leucine.
Molecular consequence: missense variant.
Genome position (GRCh38, 1-based): chr3:42,685,743, G>T. VCF-style: chr3-42685743-G-T. GRCh37 (hg19) VCF-style: chr3-42727235-G-T.
Other names: short protein forms R42L.
Identifiers: ClinVar variation 1517939 (VCV001517939.3), dbSNP rs907216548, ClinGen allele CA74191624.
Genomic context (GRCh38, chr3:42,685,743, plus strand): 5'-GGCTCAAAGACATGCTGGACCATGGCAAGTTCCTCGACTGTGTGGTGCGGGCGGGCGAGC[G>T]CGAGTTCCCGTGCCATCGCCTGGTGCTGGCCGCCTGCAGCCCCTACTTCCGGGCGCGCTT-3'
Protein context (NP_689606.2, residues 32-52): FLDCVVRAGE[Arg42Leu]EFPCHRLVLA

ClinVar aggregate classification (germline): Uncertain significance (1 of 4 stars; one submission).

Conditions:
Nemaline myopathy 8 (NEM8). Also called: Nemaline myopathy 8, autosomal recessive. Identifiers: Orphanet 171430, MedGen C3809209, MONDO:0014138, OMIM 615348.

gnomAD v4.1: 2 of 1,612,786 alleles (0.00012%); highest among the groups gnomAD compares: Non-Finnish European, 0.00017%; no homozygotes.

Submission:

Labcorp Genetics (formerly Invitae), Labcorp
Classification: Uncertain significance for Nemaline myopathy 8. Last evaluated: 2022-01-17. Review status: criteria provided, single submitter. Criteria: Invitae Variant Classification Sherloc (09022015). Collection method: clinical testing. Allele origin: germline.
Comment: This sequence change replaces arginine, which is basic and polar, with leucine, which is neutral and non-polar, at codon 42 of the KLHL40 protein (p.Arg42Leu). This variant is not present in population databases (gnomAD no frequency). This variant has not been reported in the literature in individuals affected with KLHL40-related conditions. Algorithms developed to predict the effect of missense changes on protein structure and function are either unavailable or do not agree on the potential impact of this missense change (SIFT: "Deleterious"; PolyPhen-2: "Possibly Damaging"; Align-GVGD: "Class C0"). In summary, the available evidence is currently insufficient to determine the role of this variant in disease. Therefore, it has been classified as a Variant of Uncertain Significance.